The following is an entry in ClinVar:

ClinVar aggregate classification (germline): Likely benign. Review status: criteria provided, multiple submitters, no conflicts (2 of 4 stars). 2 submissions from 2 submitters: Likely benign (2). Last evaluated 2017-04-27.

Conditions:
Myopathy, lactic acidosis, and sideroblastic anemia 1 (MLASA1). Identifiers: Orphanet 2598, MedGen C4551958, MONDO:0024553, OMIM 600462.

Allele frequency attached by ClinVar (database versions not stated): gnomAD 0.00401 and 0.00723; TOPMed 0.00470; gnomAD exomes 0.01254; 1000 Genomes Project 30x 0.03107; 1000 Genomes Project 0.03315.

Submissions (2):

Illumina Laboratory Services, Illumina
Classification: Likely benign for Myopathy, lactic acidosis, and sideroblastic anemia 1. Last evaluated: 2017-04-27. Review status: criteria provided, single submitter. Criteria: ICSL Variant Classification Criteria 13 December 2019. Collection method: clinical testing. Allele origin: germline.
Comment: This variant was observed as part of a predisposition screen in an ostensibly healthy population. A literature search was performed for the gene, cDNA change, and amino acid change (where applicable). No publications were found based on this search. Allele frequency data from public databases allowed determination this variant is unlikely to cause disease. Therefore, this variant is classified as likely benign.

Breakthrough Genomics
Classification: Likely benign. Review status: criteria provided, single submitter. Criteria: ACMG Guidelines, 2015. Collection method: not provided. Allele origin: germline. Inheritance: Autosomal recessive inheritance. Affected: yes.

NM_025215.6(PUS1):c.*119C>T

Gene: PUS1 (pseudouridine synthase 1; plus strand). Cytogenetic location: 12q24.33.
Variant type: single nucleotide variant.
Coding change: c.*119C>T on transcript NM_025215.6 (MANE Select); 119 bases downstream of the stop codon, C replaced by T.
Molecular consequence: 3 prime UTR variant.
Genome position (GRCh38, 1-based): chr12:131,943,705, C>T. VCF-style: chr12-131943705-C-T. GRCh37 (hg19) VCF-style: chr12-132428250-C-T.
Other names: c.*119C>T (NM_001002019.3, NM_001002020.3).
Identifiers: ClinVar variation 307709 (VCV000307709.6), dbSNP rs117705819, ClinGen allele CA10636830.